The following is an entry in ClinVar:

ClinVar aggregate classification (germline): Uncertain significance (1 of 4 stars; one submission).

Conditions:
Cardiac arrhythmia. Also called: Arrhythmia; Cardiac rhythm disease. Identifiers: MedGen C0003811, MONDO:0007263, HP:0011675.

gnomAD v4.1: 1 of 1,612,588 alleles (0.000062%); highest among the groups gnomAD compares: Non-Finnish European, 0.000085%; no homozygotes.

Submission:

Color Diagnostics, LLC DBA Color Health
Classification: Uncertain significance for Cardiac arrhythmia. Last evaluated: 2025-11-10. Review status: criteria provided, single submitter. Criteria: ACMG Guidelines, 2015. Collection method: clinical testing. Allele origin: germline.
Comment: This missense variant replaces valine with leucine at codon 162 of the KCNQ1 protein. Computational prediction suggests that this variant may have deleterious impact on protein structure and function. To our knowledge, functional studies have not been reported for this variant. This variant has not been reported in individuals affected with KCNQ1-related disorders in the literature. This variant has been identified in 1/1612588 chromosomes in the general population by the Genome Aggregation Database (gnomAD). The available evidence is insufficient to determine the role of this variant in disease conclusively. Therefore, this variant is classified as a Variant of Uncertain Significance.

NM_000218.3(KCNQ1):c.484G>T (p.Val162Leu)

Gene: KCNQ1 (potassium voltage-gated channel subfamily Q member 1; plus strand). Cytogenetic location: 11p15.5.
Variant type: single nucleotide variant.
Coding change: c.484G>T on transcript NM_000218.3 (MANE Select); coding-DNA position 484, G replaced by T.
Protein change: p.Val162Leu; replaces valine 162 with leucine.
Molecular consequence: missense variant. On other transcripts: intron variant (1).
Genome position (GRCh38, 1-based): chr11:2,570,634, G>T. VCF-style: chr11-2570634-G-T. GRCh37 (hg19) VCF-style: chr11-2591864-G-T.
Other names: c.484G>T, p.Val162Leu (NM_001406836.1); c.214G>T, p.Val72Leu (NM_001406837.1); c.103G>T, p.Val35Leu (NM_181798.2); c.478-12801G>T (NM_001406838.1); short protein forms V162L, V35L, V72L.
Identifiers: ClinVar variation 4758289 (VCV004758289.1).
Genomic context (GRCh38, chr11:2,570,634, plus strand): 5'-AAGCCACTCAAGGCCGAGCCTGCCTGCAGTGAGCGTCCCACTCTGTCCCTGCAGGAGATC[G>T]TGCTGGTGGTGTTCTTCGGGACGGAGTACGTGGTCCGCCTCTGGTCCGCCGGCTGCCGCA-3'
Protein context (NP_000209.2, residues 152-172): ATGTLFWMEI[Val162Leu]LVVFFGTEYV